The following is an entry in ClinVar:

NM_177438.3(DICER1):c.2479A>G (p.Ile827Val)

Gene: DICER1 (dicer 1, ribonuclease III; minus strand). Cytogenetic location: 14q32.13.
Variant type: single nucleotide variant.
Coding change: c.2479A>G on transcript NM_177438.3 (MANE Select); coding-DNA position 2479, A replaced by G.
Protein change: p.Ile827Val; replaces isoleucine 827 with valine.
Molecular consequence: missense variant.
Genome position (GRCh38, 1-based): chr14:95,108,051, T>C on the plus strand (A>G on the coding strand, the complement: DICER1 is on the minus strand). VCF-style: chr14-95108051-T-C. GRCh37 (hg19) VCF-style: chr14-95574388-T-C.
Other names: c.2479A>G, p.Ile827Val (NM_001195573.1, NM_001271282.3, NM_001291628.2 and 1 more transcripts); short protein forms I827V.
Identifiers: ClinVar variation 1038130 (VCV001038130.14), dbSNP rs1891610086, ClinGen allele CA390881943.
Genomic context (GRCh38, chr14:95,108,051, plus strand): 5'-TAATCAACTCAAGCATTTGTAGAGACAACATGAAACCAGACTTCTTCAACTCAATGGATA[T>C]GGTAACCTCTCCAGAGCGTGTGTACACAGGAAAGTGTGGAATCTTAGCAAAAGGAAATGT-3'
Protein context (NP_803187.1, residues 817-837): PVYTRSGEVT[Ile827Val]SIELKKSGFM

ClinVar aggregate classification (germline): Uncertain significance. Review status: criteria provided, multiple submitters, no conflicts (2 of 4 stars). 3 submissions from 3 submitters: Uncertain significance (3). Last evaluated 2024-11-01.

Conditions:
Global developmental delay - lung cysts - overgrowth - Wilms tumor syndrome. Also called: GLOW Syndrome; GLOBAL DEVELOPMENTAL DELAY, LUNG CYSTS, OVERGROWTH, AND WILMS TUMOR. Identifiers: Orphanet 404476, MedGen C4748924, MONDO:0018445, OMIM 618272.
DICER1-related tumor predisposition. Also called: DICER1 syndrome; DICER1-related pleuropulmonary blastoma cancer predisposition syndrome. Identifiers: Orphanet 284343, MedGen C3839822, MONDO:0100216.
Hereditary cancer-predisposing syndrome. Also called: Neoplastic Syndromes, Hereditary; Hereditary Cancer Syndrome; Tumor predisposition; Hereditary neoplastic syndrome. Identifiers: Orphanet 140162, MedGen C0027672, MeSH D009386, MONDO:0015356.

Allele frequency attached by ClinVar (database versions not stated): gnomAD exomes 0.00001.

Submissions (3):

Ambry Genetics
Classification: Uncertain significance for Hereditary cancer-predisposing syndrome. Last evaluated: 2024-11-01. Review status: criteria provided, single submitter. Criteria: Ambry Variant Classification Scheme 2023. Collection method: clinical testing. Allele origin: germline.
Comment: The p.I827V variant (also known as c.2479A>G), located in coding exon 15 of the DICER1 gene, results from an A to G substitution at nucleotide position 2479. The isoleucine at codon 827 is replaced by valine, an amino acid with highly similar properties. This amino acid position is well conserved in available vertebrate species. In addition, this alteration is predicted to be tolerated by in silico analysis. Based on the available evidence, the clinical significance of this variant remains unclear.

Labcorp Genetics (formerly Invitae), Labcorp
Classification: Uncertain significance for DICER1-related tumor predisposition. Last evaluated: 2024-05-26. Review status: criteria provided, single submitter. Criteria: Invitae Variant Classification Sherloc (09022015). Collection method: clinical testing. Allele origin: germline.
Comment: This sequence change replaces isoleucine, which is neutral and non-polar, with valine, which is neutral and non-polar, at codon 827 of the DICER1 protein (p.Ile827Val). This variant is not present in population databases (gnomAD no frequency). This variant has not been reported in the literature in individuals affected with DICER1-related conditions. ClinVar contains an entry for this variant (Variation ID: 1038130). Advanced modeling of protein sequence and biophysical properties (such as structural, functional, and spatial information, amino acid conservation, physicochemical variation, residue mobility, and thermodynamic stability) performed at Invitae indicates that this missense variant is not expected to disrupt DICER1 protein function with a negative predictive value of 80%. In summary, the available evidence is currently insufficient to determine the role of this variant in disease. Therefore, it has been classified as a Variant of Uncertain Significance.

Baylor Genetics
Classification: Uncertain significance for Global developmental delay - lung cysts - overgrowth - Wilms tumor syndrome. Last evaluated: 2023-08-25. Review status: criteria provided, single submitter. Criteria: ACMG Guidelines, 2015. Collection method: clinical testing. Allele origin: unknown.